The following is an entry in ClinVar:

NM_001005242.3(PKP2):c.1979G>A (p.Gly660Glu)

Gene: PKP2 (plakophilin 2; minus strand). Cytogenetic location: 12p11.21.
Variant type: single nucleotide variant.
Coding change: c.1979G>A on transcript NM_001005242.3 (MANE Select); coding-DNA position 1979, G replaced by A.
Protein change: p.Gly660Glu; replaces glycine 660 with glutamic acid.
Molecular consequence: missense variant.
Genome position (GRCh38, 1-based): chr12:32,821,390, C>T on the plus strand (G>A on the coding strand, the complement: PKP2 is on the minus strand). VCF-style: chr12-32821390-C-T. GRCh37 (hg19) VCF-style: chr12-32974324-C-T.
Other names: c.1979G>A, p.Gly660Glu (NM_001407155.1, NM_001407161.1); c.1814G>A, p.Gly605Glu (NM_001407156.1); c.2111G>A, p.Gly704Glu (NM_001407157.1, NM_004572.4); c.1652G>A, p.Gly551Glu (NM_001407158.1, NM_001407159.1, NM_001407160.1 and 1 more transcripts); short protein forms G605E, G660E, G551E, G704E.
Identifiers: ClinVar variation 4761610 (VCV004761610.1).

ClinVar aggregate classification (germline): Uncertain significance (1 of 4 stars; one submission).

Conditions:
Arrhythmogenic right ventricular dysplasia 9 (ARVD9). Also called: Arrhythmogenic Right Ventricular Dysplasia/Cardiomyopathy 9; ARRHYTHMOGENIC RIGHT VENTRICULAR DYSPLASIA, FAMILIAL, 9. Identifiers: MedGen C1836906, MONDO:0012180, OMIM 609040.

gnomAD v4.1: 1 of 1,614,110 alleles (0.000062%); highest among the groups gnomAD compares: Non-Finnish European, 0.000085%; no homozygotes.

Submission:

Labcorp Genetics (formerly Invitae), Labcorp
Classification: Uncertain significance for Arrhythmogenic right ventricular dysplasia 9. Last evaluated: 2025-06-03. Review status: criteria provided, single submitter. Criteria: Invitae Variant Classification Sherloc (09022015). Collection method: clinical testing. Allele origin: germline.
Comment: This sequence change replaces glycine, which is neutral and non-polar, with glutamic acid, which is acidic and polar, at codon 704 of the PKP2 protein (p.Gly704Glu). This variant is present in population databases (rs754656865, gnomAD 0.0009%). This variant has not been reported in the literature in individuals affected with PKP2-related conditions. An algorithm developed to predict the effect of missense changes on protein structure and function (PolyPhen-2) suggests that this variant is likely to be disruptive. In summary, the available evidence is currently insufficient to determine the role of this variant in disease. Therefore, it has been classified as a Variant of Uncertain Significance.